The following is an entry in ClinVar:

NM_207346.3(TSEN54):c.856_862dup (p.Val288fs)

Gene: TSEN54 (tRNA splicing endonuclease subunit 54; plus strand). Cytogenetic location: 17q25.1.
Variant type: Duplication.
Coding change: c.856_862dup on transcript NM_207346.3 (MANE Select); coding-DNA positions 856 to 862, 7 bases duplicated (AACGGAG; older notation c.856_862dupAACGGAG).
Protein change: p.Val288fs; shifts the reading frame from valine 288.
Molecular consequence: frameshift variant.
Genome position (GRCh38, 1-based): chr17:75,521,937-75,521,943, AACGGAG duplicated; duplicating any 7 consecutive bases within chr17:75,521,934-75,521,943 gives the same sequence; the c. name uses the placement nearest the transcript's 3' end. VCF-style (leftmost placement, unchanged base first): chr17-75521933-C-CGAGAACG. GRCh37 (hg19) VCF-style: chr17-73518014-C-CGAGAACG.
Other names: c.856_862dupAACGGAG (NM_207346.3); short protein forms V288fs.
Identifiers: ClinVar variation 2395121 (VCV002395121.8), dbSNP rs766586470, ClinGen allele CA8764287.
Genomic context (GRCh38, chr17:75,521,933, plus strand): 5'-GGGCCCCAGCCCTGGCCCGGCCAGGGAGGGGGTGGGGTGCAGCTGGGAGAGTGGCAGAGC[C>CGAGAACG]GAGAACGGAGTCACGGGAGCCGGTAAGCGGCGCTGGAACTTCGAGCAGATCTCCTTCCCC-3'

ClinVar aggregate classification (germline): Pathogenic/Likely pathogenic. Review status: criteria provided, multiple submitters, no conflicts (2 of 4 stars). 4 submissions from 4 submitters: Pathogenic (3); Likely pathogenic (1). Last evaluated 2024-04-01.

Conditions:
Inborn genetic diseases. Identifiers: MedGen C0950123, MeSH D030342.
Pontoneocerebellar hypoplasia. Also called: Pontocerebellar hypoplasia; Non-syndromic pontocerebellar hypoplasia. Identifiers: Orphanet 98523, MedGen C1261175, MONDO:0020135.
Pontocerebellar hypoplasia type 4 (PCH4). Also called: Pontocerebellar Hypoplasia Type 4 (PCH4). Identifiers: Orphanet 166063, MedGen C1856974, MONDO:0009166, OMIM 225753.
Pontocerebellar hypoplasia type 2A (PCH2A). Also called: PONTOCEREBELLAR HYPOPLASIA WITH PROGRESSIVE CEREBRAL ATROPHY; VOLENDAM NEURODEGENERATIVE DISEASE. Identifiers: Orphanet 2524, MedGen C1848526, MONDO:0010190, OMIM 277470.
Pontocerebellar hypoplasia type 5 (PCH5). Also called: Pontocerebellar Hypoplasia Type 5 (PCH5). Identifiers: Orphanet 166068, MedGen C1857762, MONDO:0012438, OMIM 610204.

Submissions (4):

Labcorp Genetics (formerly Invitae), Labcorp
Classification: Pathogenic. Last evaluated: 2024-04-01. Review status: criteria provided, single submitter. Criteria: Invitae Variant Classification Sherloc (09022015). Collection method: clinical testing. Allele origin: germline.
Comment: This sequence change creates a premature translational stop signal (p.Val288Glufs*8) in the TSEN54 gene. It is expected to result in an absent or disrupted protein product. Loss-of-function variants in TSEN54 are known to be pathogenic (PMID: 18711368, 20952379). This variant is present in population databases (rs766586470, gnomAD 0.01%). This variant has not been reported in the literature in individuals affected with TSEN54-related conditions. ClinVar contains an entry for this variant (Variation ID: 2395121). For these reasons, this variant has been classified as Pathogenic.

Women's Health and Genetics/Laboratory Corporation of America, LabCorp
Classification: Pathogenic for Pontoneocerebellar hypoplasia. Last evaluated: 2024-02-22. Review status: criteria provided, single submitter. Criteria: LabCorp Variant Classification Summary - May 2015. Collection method: clinical testing. Allele origin: germline.
Comment: Variant summary: TSEN54 c.856_862dupAACGGAG (p.Val288GlufsX8) results in a premature termination codon, predicted to cause a truncation of the encoded protein or absence of the protein due to nonsense mediated decay, which are commonly known mechanisms for disease. The variant allele was found at a frequency of 8.5e-06 in 235406 control chromosomes. To our knowledge, no occurrence of c.856_862dupAACGGAG in individuals affected with Pontocerebellar Hypoplasia and no experimental evidence demonstrating its impact on protein function have been reported. ClinVar contains an entry for this variant (Variation ID: 2395121). Based on the evidence outlined above, the variant was classified as pathogenic.

Fulgent Genetics
Classification: Likely pathogenic for Pontocerebellar hypoplasia type 4; Pontocerebellar hypoplasia type 2A; Pontocerebellar hypoplasia type 5. Last evaluated: 2024-02-02. Review status: criteria provided, single submitter. Criteria: ACMG Guidelines, 2015. Collection method: clinical testing. Allele origin: germline.

Ambry Genetics
Classification: Pathogenic for Inborn genetic diseases. Last evaluated: 2021-07-14. Review status: criteria provided, single submitter. Criteria: Ambry Variant Classification Scheme 2023. Collection method: clinical testing. Allele origin: germline.
Comment: The c.856_862dupAACGGAG (p.V288Efs*8) alteration, located in exon 8 (coding exon 8) of the TSEN54 gene, consists of a duplication of AACGGAG at position 856, causing a translational frameshift with a predicted alternate stop codon after 8 amino acids. This alteration is expected to result in loss of function by premature protein truncation or nonsense-mediated mRNA decay. Based on the available evidence, this alteration is classified as pathogenic.

Literature cited by the submitters: PubMed 18711368 (cited by Labcorp Genetics (formerly Invitae), Labcorp); PubMed 20952379 (cited by Labcorp Genetics (formerly Invitae), Labcorp).